The following is an entry in ClinVar:

ClinVar aggregate classification (germline): Conflicting classifications of pathogenicity. Review status: criteria provided, conflicting classifications (1 of 4 stars). 5 submissions from 5 submitters: Uncertain significance (1); Likely benign (3). 1 of the submissions does not count toward it. Last evaluated 2025-10-21.

Conditions:
Inborn genetic diseases. Identifiers: MedGen C0950123, MeSH D030342.
PKD1L1-related disorder. Also called: PKD1L1-related condition.

Allele frequency attached by ClinVar (database versions not stated): gnomAD exomes 0.00060; ExAC 0.00074; gnomAD 0.00204 and 0.00219; ESP Exome Variant Server 0.00208; TOPMed 0.00237; 1000 Genomes Project 0.00280; 1000 Genomes Project 30x 0.00281.
gnomAD v4.1: 541 of 1,557,750 alleles (0.035%); highest among the groups gnomAD compares: African/African-American, 0.65%; 1 homozygote.

Submissions (5):

Labcorp Genetics (formerly Invitae), Labcorp
Classification: Likely benign. Last evaluated: 2025-10-21. Review status: criteria provided, single submitter. Criteria: Invitae Variant Classification Sherloc (09022015). Collection method: clinical testing. Allele origin: germline.

CeGaT Center for Human Genetics Tuebingen
Classification: Likely benign. Last evaluated: 2025-01-01. Review status: criteria provided, single submitter. Criteria: CeGaT Center For Human Genetics Tuebingen Variant Classification Criteria Version 2. Collection method: clinical testing. Allele origin: germline. Affected: yes. Observed: 1 variant allele.
Comment: PKD1L1: BP4

Ambry Genetics
Classification: Uncertain significance for Inborn genetic diseases. Last evaluated: 2021-09-15. Review status: criteria provided, single submitter. Criteria: Ambry Variant Classification Scheme 2023. Collection method: clinical testing. Allele origin: germline.

Breakthrough Genomics
Classification: Likely benign. Review status: criteria provided, single submitter. Criteria: ACMG Guidelines, 2015. Collection method: not provided. Allele origin: germline. Inheritance: Autosomal recessive inheritance. Affected: yes.

PreventionGenetics, part of Exact Sciences
Classification: Likely benign for PKD1L1-related condition. Last evaluated: 2019-04-24. Review status: no assertion criteria provided. Collection method: clinical testing. Allele origin: germline. Not counted in ClinVar's aggregate classification.
Comment: This variant is classified as likely benign based on ACMG/AMP sequence variant interpretation guidelines (Richards et al. 2015 PMID: 25741868, with internal and published modifications).

NM_138295.5(PKD1L1):c.2276A>T (p.Gln759Leu)

Gene: PKD1L1 (polycystin 1 like 1, transient receptor potential channel interacting; minus strand). Cytogenetic location: 7p12.3.
Variant type: single nucleotide variant.
Coding change: c.2276A>T on transcript NM_138295.5 (MANE Select); coding-DNA position 2276, A replaced by T.
Protein change: p.Gln759Leu; replaces glutamine 759 with leucine.
Molecular consequence: missense variant.
Genome position (GRCh38, 1-based): chr7:47,894,055, T>A on the plus strand (A>T on the coding strand, the complement: PKD1L1 is on the minus strand). VCF-style: chr7-47894055-T-A. GRCh37 (hg19) VCF-style: chr7-47933652-T-A.
Other names: short protein forms Q759L.
Identifiers: ClinVar variation 711871 (VCV000711871.26), dbSNP rs150679968, ClinGen allele CA4253794.